The following is an entry in ClinVar:

NM_004525.3(LRP2):c.2456G>A (p.Arg819His)

Gene: LRP2 (LDL receptor related protein 2; minus strand). Cytogenetic location: 2q31.1.
Variant type: single nucleotide variant.
Coding change: c.2456G>A on transcript NM_004525.3 (MANE Select); coding-DNA position 2456, G replaced by A.
Protein change: p.Arg819His; replaces arginine 819 with histidine.
Molecular consequence: missense variant.
Genome position (GRCh38, 1-based): chr2:169,259,082, C>T on the plus strand (G>A on the coding strand, the complement: LRP2 is on the minus strand). VCF-style: chr2-169259082-C-T. GRCh37 (hg19) VCF-style: chr2-170115592-C-T.
Other names: short protein forms R819H.
Identifiers: ClinVar variation 711349 (VCV000711349.32), dbSNP rs142080405, ClinGen allele CA1955294.

ClinVar aggregate classification (germline): Conflicting classifications of pathogenicity. Review status: criteria provided, conflicting classifications (1 of 4 stars). 5 submissions from 5 submitters: Uncertain significance (1); Likely benign (4). Last evaluated 2026-01-28.

Conditions:
Inborn genetic diseases. Identifiers: MedGen C0950123, MeSH D030342.
Donnai-Barrow syndrome. Also called: DBS/FOAR SYNDROME; FACIOOCULOACOUSTICORENAL SYNDROME. Identifiers: Orphanet 2143, MedGen C1857277, MONDO:0009104, OMIM 222448.

Allele frequency attached by ClinVar (database versions not stated): gnomAD 0.00306; 1000 Genomes Project 0.00339; ESP Exome Variant Server 0.00346; TOPMed 0.00369; 1000 Genomes Project 30x 0.00406.
gnomAD v4.1: 979 of 1,613,296 alleles (0.061%); highest among the groups gnomAD compares: African/African-American, 1.1%; 7 homozygotes.

Submissions (5):

Labcorp Genetics (formerly Invitae), Labcorp
Classification: Likely benign. Last evaluated: 2026-01-28. Review status: criteria provided, single submitter. Criteria: Invitae Variant Classification Sherloc (09022015). Collection method: clinical testing. Allele origin: germline.

CeGaT Center for Human Genetics Tuebingen
Classification: Likely benign. Last evaluated: 2024-06-01. Review status: criteria provided, single submitter. Criteria: CeGaT Center For Human Genetics Tuebingen Variant Classification Criteria Version 2. Collection method: clinical testing. Allele origin: germline. Affected: yes. Observed: 1 variant allele.
Comment: LRP2: BS2

GeneDx
Classification: Uncertain significance. Last evaluated: 2024-02-06. Review status: criteria provided, single submitter. Criteria: GeneDx Variant Classification Process June 2021. Collection method: clinical testing. Allele origin: germline. Affected: yes.
Comment: Reported with a second variant on the opposite allele (in trans) in a patient with congenital anomalies of the kidneys and urinary tract (CAKUT) in published literature; of note, this patient carried additional variants in genes related to CAKUT (PMID: 35368817); In silico analysis supports that this missense variant has a deleterious effect on protein structure/function; This variant is associated with the following publications: (PMID: 35368817)

Ambry Genetics
Classification: Likely benign for Inborn genetic diseases. Last evaluated: 2022-11-02. Review status: criteria provided, single submitter. Criteria: Ambry Variant Classification Scheme 2023. Collection method: clinical testing. Allele origin: germline.

Fulgent Genetics
Classification: Likely benign for Donnai-Barrow syndrome. Last evaluated: 2021-09-28. Review status: criteria provided, single submitter. Criteria: ACMG Guidelines, 2015. Collection method: clinical testing. Allele origin: unknown.